The following is an entry in ClinVar:

NM_024753.5(TTC21B):c.140del (p.Thr47fs)

Gene: TTC21B (tetratricopeptide repeat domain 21B; minus strand). Cytogenetic location: 2q24.3.
Variant type: Deletion.
Coding change: c.140del on transcript NM_024753.5 (MANE Select); coding-DNA position 140, one base deleted (C; older notation c.140delC).
Protein change: p.Thr47fs; shifts the reading frame from threonine 47.
Molecular consequence: frameshift variant.
Genome position (GRCh38, 1-based): chr2:165,949,606, G deleted on the plus strand (C on the coding strand, the reverse complement: TTC21B is on the minus strand). VCF-style (leftmost placement, unchanged base first): chr2-165949605-TG-T. GRCh37 (hg19) VCF-style: chr2-166806115-TG-T.
Other names: c.140delC (NM_024753.4); short protein forms T47fs.
Identifiers: ClinVar variation 2417080 (VCV002417080.8), dbSNP rs1409684471, ClinGen allele CA760197650.

ClinVar aggregate classification (germline): Conflicting classifications of pathogenicity. Review status: criteria provided, conflicting classifications (1 of 4 stars). 3 submissions from 3 submitters: Pathogenic (1); Likely pathogenic (1); Uncertain significance (1). Last evaluated 2025-05-15.

Conditions:
Jeune thoracic dystrophy. Also called: Jeune syndrome; Infantile thoracic dystrophy; Thoracic pelvic phalangeal dystrophy; Jeune's syndrome; Chondroectodermal dysplasia-like syndrome; Short-rib thoracic dysplasia. Identifiers: Orphanet 474, MedGen C0265275, MONDO:0018770.
Nephronophthisis. Also called: Juvenile Nephronophthisis. Identifiers: Orphanet 655, MedGen C0687120, MONDO:0019005, HP:0000090.
TTC21B-related disorder. Also called: TTC21B-related condition; TTC21B-related disorders.

Allele frequency attached by ClinVar (database versions not stated): gnomAD 0.00001; TOPMed 0.00001.

Submissions (3):

PreventionGenetics, part of Exact Sciences
Classification: Uncertain significance for TTC21B-related condition. Last evaluated: 2025-05-15. Review status: criteria provided, single submitter. Criteria: ACMG Guidelines, 2015. Collection method: clinical testing. Allele origin: germline.
Comment: The TTC21B c.140delC variant is predicted to result in a frameshift and premature protein termination (p.Thr47Asnfs*2). To our knowledge, this variant has not been reported in the literature or in a large population database (gnomAD), indicating this variant is rare. Frameshift variants in this gene are expected to be pathogenic for TTC21B-related autosomal recessive diseases. However, no more 5' (upstream) truncating variants in this gene have been conclusively interpreted as pathogenic or likely pathogenic in the literature or the ClinVar database with sufficient evidence. Although we suspect that this variant may be pathogenic, at this time, the clinical significance of this variant is uncertain due to the absence of conclusive functional and genetic evidence.

Labcorp Genetics (formerly Invitae), Labcorp
Classification: Pathogenic for Jeune thoracic dystrophy; Nephronophthisis. Last evaluated: 2024-03-07. Review status: criteria provided, single submitter. Criteria: Invitae Variant Classification Sherloc (09022015). Collection method: clinical testing. Allele origin: germline.
Comment: This sequence change creates a premature translational stop signal (p.Thr47Asnfs*2) in the TTC21B gene. It is expected to result in an absent or disrupted protein product. Loss-of-function variants in TTC21B are known to be pathogenic (PMID: 18327258, 21068128, 21258341, 23559409, 24876116, 25492405, 27491411, 29068549). This variant is not present in population databases (gnomAD no frequency). This variant has not been reported in the literature in individuals affected with TTC21B-related conditions. ClinVar contains an entry for this variant (Variation ID: 2417080). For these reasons, this variant has been classified as Pathogenic.

Blueprint Genetics
Classification: Likely pathogenic for TTC21B-related disorders. Last evaluated: 2018-10-09. Review status: criteria provided, single submitter. Criteria: ACMG Guidelines, 2015. Collection method: clinical testing. Allele origin: germline. Affected: yes. Observed: 1 variant allele.

Literature cited by the submitters: PubMed 18327258 (cited by Labcorp Genetics (formerly Invitae), Labcorp); PubMed 21068128 (cited by Labcorp Genetics (formerly Invitae), Labcorp); PubMed 21258341 (cited by Labcorp Genetics (formerly Invitae), Labcorp); PubMed 23559409 (cited by Labcorp Genetics (formerly Invitae), Labcorp); PubMed 24876116 (cited by Labcorp Genetics (formerly Invitae), Labcorp); PubMed 25492405 (cited by Labcorp Genetics (formerly Invitae), Labcorp); PubMed 27491411 (cited by Labcorp Genetics (formerly Invitae), Labcorp); PubMed 29068549 (cited by Labcorp Genetics (formerly Invitae), Labcorp).